The following is an entry in ClinVar:

ClinVar aggregate classification (germline): Uncertain significance (1 of 4 stars; one submission).

Submission:

GeneDx
Classification: Uncertain significance. Last evaluated: 2026-04-09. Review status: criteria provided, single submitter. Criteria: GeneDx Variant Classification Process June 2021. Collection method: clinical testing. Allele origin: germline.
Comment: Not observed at significant frequency in large population cohorts (gnomAD); In silico analysis supports that this missense variant has a deleterious effect on protein structure/function; Has not been previously published as pathogenic or benign to our knowledge

NM_006178.4(NSF):c.1141G>A (p.Glu381Lys)

Genes: LRRC37A2 (leucine rich repeat containing 37 member A2), NSF (N-ethylmaleimide sensitive factor, vesicle fusing ATPase; plus strand). Cytogenetic location: 17q21.31.
Variant type: single nucleotide variant.
Coding change: c.1141G>A on transcript NM_006178.4 (MANE Select); coding-DNA position 1141, G replaced by A.
Protein change: p.Glu381Lys; replaces glutamic acid 381 with lysine.
Molecular consequence: missense variant. On other transcripts: non-coding transcript variant (1).
Genome position (GRCh38, 1-based): chr17:46,693,876, G>A. VCF-style: chr17-46693876-G-A. GRCh37 (hg19) VCF-style: chr17-44771242-G-A.
Other names: short protein forms E381K.
Identifiers: ClinVar variation 5017565 (VCV005017565.1).
Genomic context (GRCh38, chr17:46,693,876, plus strand): 5'-TTTGTTGTTTTGTTTTAACATCTGTGTTCAGGAATGACCAATAGACCAGATCTGATAGAT[G>A]AGGCTCTTCTTAGACCTGGAAGACTGGAAGTTAAAATGGAGATAGGTAAGGAGATCTGTC-3'
Protein context (NP_006169.2, residues 371-391): GMTNRPDLID[Glu381Lys]ALLRPGRLEV